The following is an entry in ClinVar:

ClinVar aggregate classification (germline): Uncertain significance. Review status: criteria provided, multiple submitters, no conflicts (2 of 4 stars). 2 submissions from 2 submitters: Uncertain significance (2). Last evaluated 2024-02-20.

Conditions:
Autosomal recessive ataxia, Beauce type. Also called: Spinocerebellar ataxia, autosomal recessive 8; ATAXIA, RECESSIVE, OF BEAUCE; SYNE1 Deficiency; SYNE1-Related Autosomal Recessive Cerebellar Ataxia. Identifiers: Orphanet 88644, MedGen C1853116, MONDO:0012549, OMIM 610743.
Emery-Dreifuss muscular dystrophy 4, autosomal dominant (EDMD4). Also called: EMERY-DREIFUSS MUSCULAR DYSTROPHY 4 WITH VARIABLE FEATURES. Identifiers: Orphanet 261, MedGen C2751807, MONDO:0013071, OMIM 612998.

Allele frequency attached by ClinVar (database versions not stated): TOPMed 0.00001; gnomAD exomes 0.00004; ExAC 0.00007.
gnomAD v4.1: 13 of 1,612,716 alleles (0.00081%); highest among the groups gnomAD compares: Admixed American, 0.013%; no homozygotes.

Submissions (2):

Labcorp Genetics (formerly Invitae), Labcorp
Classification: Uncertain significance for Emery-Dreifuss muscular dystrophy 4, autosomal dominant; Autosomal recessive ataxia, Beauce type. Last evaluated: 2024-02-20. Review status: criteria provided, single submitter. Criteria: Invitae Variant Classification Sherloc (09022015). Collection method: clinical testing. Allele origin: germline.
Comment: This sequence change replaces alanine, which is neutral and non-polar, with valine, which is neutral and non-polar, at codon 1173 of the SYNE1 protein (p.Ala1173Val). This variant is present in population databases (rs765122984, gnomAD 0.02%). This variant has not been reported in the literature in individuals affected with SYNE1-related conditions. ClinVar contains an entry for this variant (Variation ID: 596235). Algorithms developed to predict the effect of missense changes on protein structure and function output the following: SIFT: "Not Available"; PolyPhen-2: "Benign"; Align-GVGD: "Not Available". The valine amino acid residue is found in multiple mammalian species, which suggests that this missense change does not adversely affect protein function. In summary, the available evidence is currently insufficient to determine the role of this variant in disease. Therefore, it has been classified as a Variant of Uncertain Significance.

Eurofins Ntd Llc (ga)
Classification: Uncertain significance. Last evaluated: 2018-02-23. Review status: criteria provided, single submitter. Criteria: EGL ClinVar v180209 classification definitions. Collection method: clinical testing. Allele origin: germline. Observed: 1 variant allele, 1 heterozygote.

NM_182961.4(SYNE1):c.3497C>T (p.Ala1166Val)

Gene: SYNE1 (spectrin repeat containing nuclear envelope protein 1; minus strand). Cytogenetic location: 6q25.2.
Variant type: single nucleotide variant.
Coding change: c.3497C>T on transcript NM_182961.4 (MANE Select); coding-DNA position 3497, C replaced by T.
Protein change: p.Ala1166Val; replaces alanine 1166 with valine.
Molecular consequence: missense variant.
Genome position (GRCh38, 1-based): chr6:152,449,540, G>A on the plus strand (C>T on the coding strand, the complement: SYNE1 is on the minus strand). VCF-style: chr6-152449540-G-A. GRCh37 (hg19) VCF-style: chr6-152770675-G-A.
Other names: c.3518C>T, p.Ala1173Val (NM_033071.5); short protein forms A1166V, A1173V.
Identifiers: ClinVar variation 596235 (VCV000596235.8), dbSNP rs765122984, ClinGen allele CA4058831.